The following is an entry in ClinVar:

NM_001365276.2(TNXB):c.3414G>T (p.Arg1138Ser)

Gene: TNXB (tenascin XB; minus strand). Cytogenetic location: 6p21.33.
Variant type: single nucleotide variant.
Coding change: c.3414G>T on transcript NM_001365276.2 (MANE Select); coding-DNA position 3414, G replaced by T.
Protein change: p.Arg1138Ser; replaces arginine 1138 with serine.
Molecular consequence: missense variant.
Genome position (GRCh38, 1-based): chr6:32,084,444, C>A on the plus strand (G>T on the coding strand, the complement: TNXB is on the minus strand). VCF-style: chr6-32084444-C-A. GRCh37 (hg19) VCF-style: chr6-32052221-C-A.
Other names: c.4155G>T, p.Arg1385Ser (NM_001428335.1); c.3414G>T, p.Arg1138Ser (NM_019105.8); short protein forms R1138S, R1385S.
Identifiers: ClinVar variation 3809302 (VCV003809302.1).
Genomic context (GRCh38, chr6:32,084,444, plus strand): 5'-GAGGGCAGGGTGTTACTGCTGTCACTCACAGATCTTGGCTTCAGCCACCAGCGGACCATG[C>A]CTCTTCTTGCCAACAAACCCATACAGGACAAATTTGTACTTGCGGCCAGGATCCAGGGAG-3'
Protein context (NP_001352205.1, residues 1128-1148): FVLYGFVGKK[Arg1138Ser]HGPLVAEAKI

ClinVar aggregate classification (germline): Uncertain significance (1 of 4 stars; one submission).

Conditions:
Cardiovascular phenotype. Identifiers: MedGen CN230736.

gnomAD v4.1: 1 of 1,596,806 alleles (0.000063%); highest among the groups gnomAD compares: Non-Finnish European, 0.000085%; no homozygotes.

Submission:

Ambry Genetics
Classification: Uncertain significance for Cardiovascular phenotype. Last evaluated: 2025-02-12. Review status: criteria provided, single submitter. Criteria: Ambry Variant Classification Scheme 2023. Collection method: clinical testing. Allele origin: germline.
Comment: The p.R1138S variant (also known as c.3414G>T), located in coding exon 7 of the TNXB gene, results from a G to T substitution at nucleotide position 3414. The arginine at codon 1138 is replaced by serine, an amino acid with dissimilar properties. This amino acid position is not well conserved in available vertebrate species. In addition, this alteration is predicted to be tolerated by in silico analysis. Based on the available evidence, the clinical significance of this variant remains unclear.